The following is an entry in ClinVar:

ClinVar aggregate classification (germline): Uncertain significance (1 of 4 stars; one submission).

Conditions:
Hereditary sensory and autonomic neuropathy type 7. Also called: Neuropathy, hereditary sensory and autonomic, type VII; HSAN VII. Identifiers: Orphanet 391397, MedGen C3809882, MONDO:0014244, OMIM 615548.
Familial episodic pain syndrome with predominantly lower limb involvement. Also called: Episodic pain syndrome, familial, 3. Identifiers: Orphanet 391384, Orphanet 391392, MedGen C3809899, MONDO:0014247, OMIM 615552.

Submission:

Labcorp Genetics (formerly Invitae), Labcorp
Classification: Uncertain significance for Familial episodic pain syndrome with predominantly lower limb involvement; Hereditary sensory and autonomic neuropathy type 7. Last evaluated: 2024-12-24. Review status: criteria provided, single submitter. Criteria: Invitae Variant Classification Sherloc (09022015). Collection method: clinical testing. Allele origin: germline.
Comment: This sequence change creates a premature translational stop signal (p.Asn1044Thrfs*9) in the SCN11A gene. It is expected to result in an absent or disrupted protein product. However, the current clinical and genetic evidence is not sufficient to establish whether loss-of-function variants in SCN11A cause disease. This variant is not present in population databases (gnomAD no frequency). This variant has not been reported in the literature in individuals affected with SCN11A-related conditions. In summary, the available evidence is currently insufficient to determine the role of this variant in disease. Therefore, it has been classified as a Variant of Uncertain Significance.

NM_001349253.2(SCN11A):c.3131del (p.Asn1044fs)

Gene: SCN11A (sodium voltage-gated channel alpha subunit 11; minus strand). Cytogenetic location: 3p22.2.
Variant type: Deletion.
Coding change: c.3131del on transcript NM_001349253.2 (MANE Select); coding-DNA position 3131, one base deleted (A; older notation c.3131delA).
Protein change: p.Asn1044fs; shifts the reading frame from asparagine 1044.
Molecular consequence: frameshift variant.
Genome position (GRCh38, 1-based): chr3:38,883,321, T deleted on the plus strand (A on the coding strand, the reverse complement: SCN11A is on the minus strand); the first of 2 consecutive T bases (chr3:38,883,321-38,883,322); deleting either gives the same sequence. VCF-style (leftmost placement, unchanged base first): chr3-38883320-GT-G. GRCh37 (hg19) VCF-style: chr3-38924811-GT-G.
Other names: c.3131del, p.Asn1044fs (NM_014139.3); short protein forms N1044fs.
Identifiers: ClinVar variation 3756635 (VCV003756635.2).